The following is an entry in ClinVar:

ClinVar aggregate classification (germline): Uncertain significance (1 of 4 stars; one submission).

Allele frequency attached by ClinVar (database versions not stated): gnomAD exomes below 0.00001; gnomAD 0.00001; 1000 Genomes Project 30x 0.00016.
gnomAD v4.1: 3 of 1,614,000 alleles (0.00019%); highest among the groups gnomAD compares: East Asian, 0.0022%; no homozygotes.

Submission:

Labcorp Genetics (formerly Invitae), Labcorp
Classification: Uncertain significance. Last evaluated: 2024-10-08. Review status: criteria provided, single submitter. Criteria: Invitae Variant Classification Sherloc (09022015). Collection method: clinical testing. Allele origin: germline.
Comment: This sequence change replaces glutamic acid, which is acidic and polar, with lysine, which is basic and polar, at codon 187 of the GHSR protein (p.Glu187Lys). This variant is not present in population databases (gnomAD no frequency). This variant has not been reported in the literature in individuals affected with GHSR-related conditions. ClinVar contains an entry for this variant (Variation ID: 2103699). Invitae Evidence Modeling of protein sequence and biophysical properties (such as structural, functional, and spatial information, amino acid conservation, physicochemical variation, residue mobility, and thermodynamic stability) indicates that this missense variant is not expected to disrupt GHSR protein function with a negative predictive value of 80%. In summary, the available evidence is currently insufficient to determine the role of this variant in disease. Therefore, it has been classified as a Variant of Uncertain Significance.

NM_198407.2(GHSR):c.559G>A (p.Glu187Lys)

Gene: GHSR (growth hormone secretagogue receptor; minus strand). Cytogenetic location: 3q26.31.
Variant type: single nucleotide variant.
Coding change: c.559G>A on transcript NM_198407.2 (MANE Select); coding-DNA position 559, G replaced by A.
Protein change: p.Glu187Lys; replaces glutamic acid 187 with lysine.
Molecular consequence: missense variant.
Genome position (GRCh38, 1-based): chr3:172,447,855, C>T on the plus strand (G>A on the coding strand, the complement: GHSR is on the minus strand). VCF-style: chr3-172447855-C-T. GRCh37 (hg19) VCF-style: chr3-172165645-C-T.
Other names: c.559G>A, p.Glu187Lys (NM_004122.2); short protein forms E187K.
Identifiers: ClinVar variation 2103699 (VCV002103699.4), dbSNP rs1737512205, ClinGen allele CA355514196.